The following is an entry in ClinVar:

ClinVar aggregate classification (germline): Pathogenic (1 of 4 stars; one submission).

Conditions:
Joubert syndrome. Also called: Familial aplasia of the vermis; CEREBELLOPARENCHYMAL DISORDER IV; JOUBERT-BOLTSHAUSER SYNDROME. Identifiers: Orphanet 475, MedGen C5979921, MONDO:0018772.

Submission:

Labcorp Genetics (formerly Invitae), Labcorp
Classification: Pathogenic for Joubert syndrome. Last evaluated: 2024-12-02. Review status: criteria provided, single submitter. Criteria: Invitae Variant Classification Sherloc (09022015). Collection method: clinical testing. Allele origin: germline.
Comment: This sequence change affects a donor splice site in intron 18 of the AHI1 gene. It is expected to disrupt RNA splicing. Variants that disrupt the donor or acceptor splice site typically lead to a loss of protein function (PMID: 16199547), and loss-of-function variants in AHI1 are known to be pathogenic (PMID: 15322546, 16453322, 28442542, 29186038). This variant is not present in population databases (gnomAD no frequency). Disruption of this splice site has been observed in individual(s) with retinitis pigmentosa (internal data). In at least one individual the data is consistent with being in trans (on the opposite chromosome) from a pathogenic variant. ClinVar contains an entry for this variant (Variation ID: 1068435). Algorithms developed to predict the effect of sequence changes on RNA splicing suggest that this variant may disrupt the consensus splice site. For these reasons, this variant has been classified as Pathogenic.

Literature cited by the submitters: PubMed 16199547; PubMed 15322546; PubMed 16453322; PubMed 28442542; PubMed 29186038.

NM_001134831.2(AHI1):c.2623+2T>A

Gene: AHI1 (Abelson helper integration site 1; minus strand). Cytogenetic location: 6q23.3.
Variant type: single nucleotide variant.
Coding change: c.2623+2T>A on transcript NM_001134831.2 (MANE Select); the canonical splice donor site of the intron after coding-DNA position 2623, T replaced by A.
Molecular consequence: splice donor variant.
Genome position (GRCh38, 1-based): chr6:135,428,627, A>T on the plus strand (T>A on the coding strand, the complement: AHI1 is on the minus strand). VCF-style: chr6-135428627-A-T. GRCh37 (hg19) VCF-style: chr6-135749765-A-T.
Other names: c.2623+2T>A (NM_001350503.2, NM_017651.5, NM_001350504.2 and 2 more transcripts).
Identifiers: ClinVar variation 1068435 (VCV001068435.7), dbSNP rs2128009190, ClinGen allele CA365741981.
Genomic context (GRCh38, chr6:135,428,627, plus strand): 5'-TTCACACTTCTTCAAACCCCTGTACCTCCCCAAATGATTTTTAAAGTTCAATAAACATTC[A>T]CCTGTTTCTGGGTTCCAAACATACACTATACCATCCTCACTTCCAGCAAACAGAAAAGTC-3'